The following is an entry in ClinVar:

NM_019842.4(KCNQ5):c.2377G>A (p.Val793Ile)

Gene: KCNQ5 (potassium voltage-gated channel subfamily Q member 5; plus strand). Cytogenetic location: 6q13.
Variant type: single nucleotide variant.
Coding change: c.2377G>A on transcript NM_019842.4 (MANE Select); coding-DNA position 2377, G replaced by A.
Protein change: p.Val793Ile; replaces valine 793 with isoleucine.
Molecular consequence: missense variant.
Genome position (GRCh38, 1-based): chr6:73,194,992, G>A. VCF-style: chr6-73194992-G-A. GRCh37 (hg19) VCF-style: chr6-73904715-G-A.
Other names: c.2350G>A, p.Val784Ile (NM_001160130.2); c.2407G>A, p.Val803Ile (NM_001160132.2); c.2434G>A, p.Val812Ile (NM_001160133.2); c.2047G>A, p.Val683Ile (NM_001160134.2); short protein forms V683I, V793I, V812I, V784I, V803I.
Identifiers: ClinVar variation 2788998 (VCV002788998.3), dbSNP rs1052347763, ClinGen allele CA364696123.

ClinVar aggregate classification (germline): Uncertain significance (1 of 4 stars; one submission).

gnomAD v4.1: 3 of 1,614,182 alleles (0.00019%); highest among the groups gnomAD compares: South Asian, 0.0033%; no homozygotes.

Submission:

Labcorp Genetics (formerly Invitae), Labcorp
Classification: Uncertain significance. Last evaluated: 2023-06-21. Review status: criteria provided, single submitter. Criteria: Invitae Variant Classification Sherloc (09022015). Collection method: clinical testing. Allele origin: germline.
Comment: This sequence change replaces valine, which is neutral and non-polar, with isoleucine, which is neutral and non-polar, at codon 812 of the KCNQ5 protein (p.Val812Ile). This variant is not present in population databases (gnomAD no frequency). This variant has not been reported in the literature in individuals affected with KCNQ5-related conditions. Advanced modeling of protein sequence and biophysical properties (such as structural, functional, and spatial information, amino acid conservation, physicochemical variation, residue mobility, and thermodynamic stability) performed at Invitae indicates that this missense variant is not expected to disrupt KCNQ5 protein function. In summary, the available evidence is currently insufficient to determine the role of this variant in disease. Therefore, it has been classified as a Variant of Uncertain Significance.